The following is an entry in ClinVar:

NM_005733.3(KIF20A):c.2620C>T (p.Arg874Cys)

Gene: KIF20A (kinesin family member 20A; plus strand). Cytogenetic location: 5q31.2.
Variant type: single nucleotide variant.
Coding change: c.2620C>T on transcript NM_005733.3 (MANE Select); coding-DNA position 2620, C replaced by T.
Protein change: p.Arg874Cys; replaces arginine 874 with cysteine.
Molecular consequence: missense variant.
Genome position (GRCh38, 1-based): chr5:138,187,360, C>T. VCF-style: chr5-138187360-C-T. GRCh37 (hg19) VCF-style: chr5-137523049-C-T.
Other names: short protein forms R874C.
Identifiers: ClinVar variation 2144328 (VCV002144328.4), dbSNP rs376617326, ClinGen allele CA3426948.

ClinVar aggregate classification (germline): Uncertain significance (1 of 4 stars; one submission).

Allele frequency attached by ClinVar (database versions not stated): gnomAD exomes 0.00001; ExAC 0.00003; gnomAD 0.00003; TOPMed 0.00003; ESP Exome Variant Server 0.00008.
gnomAD v4.1: 23 of 1,614,064 alleles (0.0014%); highest among the groups gnomAD compares: Non-Finnish European, 0.0018%; no homozygotes.

Submission:

Labcorp Genetics (formerly Invitae), Labcorp
Classification: Uncertain significance. Last evaluated: 2024-02-16. Review status: criteria provided, single submitter. Criteria: Invitae Variant Classification Sherloc (09022015). Collection method: clinical testing. Allele origin: germline.
Comment: This sequence change replaces arginine, which is basic and polar, with cysteine, which is neutral and slightly polar, at codon 874 of the KIF20A protein (p.Arg874Cys). This variant is present in population databases (rs376617326, gnomAD 0.02%). This variant has not been reported in the literature in individuals affected with KIF20A-related conditions. ClinVar contains an entry for this variant (Variation ID: 2144328). An algorithm developed to predict the effect of missense changes on protein structure and function (PolyPhen-2) suggests that this variant is likely to be disruptive. In summary, the available evidence is currently insufficient to determine the role of this variant in disease. Therefore, it has been classified as a Variant of Uncertain Significance.